The following is an entry in ClinVar:

NM_005263.5(GFI1):c.664T>A (p.Tyr222Asn)

Gene: GFI1 (growth factor independent 1 transcriptional repressor; minus strand). Cytogenetic location: 1p22.1.
Variant type: single nucleotide variant.
Coding change: c.664T>A on transcript NM_005263.5 (MANE Select); coding-DNA position 664, T replaced by A.
Protein change: p.Tyr222Asn; replaces tyrosine 222 with asparagine.
Molecular consequence: missense variant.
Genome position (GRCh38, 1-based): chr1:92,480,723, A>T on the plus strand (T>A on the coding strand, the complement: GFI1 is on the minus strand). VCF-style: chr1-92480723-A-T. GRCh37 (hg19) VCF-style: chr1-92946280-A-T.
Other names: c.664T>A, p.Tyr222Asn (NM_001127215.3, NM_001127216.3); short protein forms Y222N.
Identifiers: ClinVar variation 5022397 (VCV005022397.1).

ClinVar aggregate classification (germline): Uncertain significance (1 of 4 stars; one submission).

Submission:

Ambry Genetics
Classification: Uncertain significance. Last evaluated: 2026-08-18. Review status: criteria provided, single submitter. Criteria: Ambry Variant Classification Scheme 2023. Collection method: clinical testing. Allele origin: germline.
Comment: The p.Y222N variant (also known as c.664T>A), located in coding exon 3 of the GFI1 gene, results from a T to A substitution at nucleotide position 664. The tyrosine at codon 222 is replaced by asparagine, an amino acid with dissimilar properties. This amino acid position is conserved. In addition, this alteration is predicted to be tolerated by in silico analysis. Based on the available evidence, the clinical significance of this variant remains unclear.